The following is an entry in ClinVar:

ClinVar aggregate classification (germline): Likely benign. Review status: criteria provided, multiple submitters, no conflicts (2 of 4 stars). 3 submissions from 3 submitters: Likely benign (2). 1 of the submissions does not count toward it. Last evaluated 2025-05-19.

Conditions:
FANCA-related disorder. Also called: FANCA-related condition.
Fanconi anemia (FA). Also called: Fanconi's anemia. Identifiers: Orphanet 84, MedGen C0015625, MeSH D005199, MONDO:0019391.
Inborn genetic diseases. Identifiers: MedGen C0950123, MeSH D030342.

Submissions (3):

Ambry Genetics
Classification: Likely benign for Inborn genetic diseases. Last evaluated: 2025-05-19. Review status: criteria provided, single submitter. Criteria: Ambry Variant Classification Scheme 2023. Collection method: clinical testing. Allele origin: germline.

Labcorp Genetics (formerly Invitae), Labcorp
Classification: Likely benign for Fanconi anemia. Last evaluated: 2023-11-29. Review status: criteria provided, single submitter. Criteria: Invitae Variant Classification Sherloc (09022015). Collection method: clinical testing. Allele origin: germline.

PreventionGenetics, part of Exact Sciences
Classification: Likely benign for FANCA-related condition. Last evaluated: 2023-07-21. Review status: no assertion criteria provided. Collection method: clinical testing. Allele origin: germline. Not counted in ClinVar's aggregate classification.
Comment: This variant is classified as likely benign based on ACMG/AMP sequence variant interpretation guidelines (Richards et al. 2015 PMID: 25741868, with internal and published modifications).

NM_000135.4(FANCA):c.2133G>A (p.Leu711=)

Gene: FANCA (FA complementation group A; minus strand). Cytogenetic location: 16q24.3.
Variant type: single nucleotide variant.
Coding change: c.2133G>A on transcript NM_000135.4 (MANE Select); coding-DNA position 2133, G replaced by A.
Protein change: p.Leu711=; no amino-acid change (leucine 711 retained).
Molecular consequence: synonymous variant.
Genome position (GRCh38, 1-based): chr16:89,771,696, C>T on the plus strand (G>A on the coding strand, the complement: FANCA is on the minus strand). VCF-style: chr16-89771696-C-T. GRCh37 (hg19) VCF-style: chr16-89838104-C-T.
Other names: c.2133G>A, p.Leu711= (NM_001286167.3).
Identifiers: ClinVar variation 2739680 (VCV002739680.6), dbSNP rs2544202519, ClinGen allele CA497185071.
Genomic context (GRCh38, chr16:89,771,696, plus strand): 5'-ATGGTGAAGACCCCCTGCTTTGTTCTGAGCCCCTACACCTACCATGTGTTCCCGTGGCTC[C>T]AGTCTCGGCGTGTTGATGCTGAGCTGAATCTTTGATATCTCAACGCTGCTGTCATCCTCA-3'
Protein context (NP_000126.2, residues 701-721): KIQLSINTPR[Leu711=]EPREHMAVDL